The following is an entry in ClinVar:

NM_001368397.1(FRMPD4):c.3738C>T (p.His1246=)

Gene: FRMPD4 (FERM and PDZ domain containing 4; plus strand). Cytogenetic location: Xp22.2.
Variant type: single nucleotide variant.
Coding change: c.3738C>T on transcript NM_001368397.1 (MANE Select); coding-DNA position 3738, C replaced by T.
Protein change: p.His1246=; no amino-acid change (histidine 1246 retained).
Molecular consequence: synonymous variant.
Genome position (GRCh38, 1-based): chrX:12,718,564, C>T. VCF-style: chrX-12718564-C-T. GRCh37 (hg19) VCF-style: chrX-12736683-C-T.
Other names: c.3849C>T, p.His1283= (NM_001368395.3, NM_001368398.3); c.3744C>T, p.His1248= (NM_001368396.3); c.3729C>T, p.His1243= (NM_001368399.3); c.3618C>T, p.His1206= (NM_001368400.3); c.3714C>T, p.His1238= (NM_001368401.1, NM_001368402.3); c.3738C>T, p.His1246= (NM_014728.3).
Identifiers: ClinVar variation 194655 (VCV000194655.10), dbSNP rs151079505, ClinGen allele CA240745.
Genomic context (GRCh38, chrX:12,718,564, plus strand): 5'-CAGTGGCAGTGCCTGTGCCACACCCGTGGAGTCGCCGCTCTGCCCCTCCCTGGGGAAGCA[C>T]TTGATTCCTGACGCTTCTGGGAAAGGCGTGAATTACATTCCTTCAGAGGAGAGAGCCCCT-3'
Protein context (NP_001355326.1, residues 1236-1256): ESPLCPSLGK[His1246=]LIPDASGKGV

ClinVar aggregate classification (germline): Conflicting classifications of pathogenicity. Review status: criteria provided, conflicting classifications (1 of 4 stars). 3 submissions from 3 submitters: Uncertain significance (1); Benign (1); Likely benign (1). Last evaluated 2026-08-01.

Allele frequency attached by ClinVar (database versions not stated): ExAC 0.00021; gnomAD 0.00062 and 0.00067; ESP Exome Variant Server 0.00066; TOPMed 0.00068; 1000 Genomes Project 0.00132; 1000 Genomes Project 30x 0.00146.
gnomAD v4.1: 146 of 1,206,835 alleles (0.012%); highest among the groups gnomAD compares: African/African-American, 0.21%; no homozygotes.

Submissions (3):

CeGaT Center for Human Genetics Tuebingen
Classification: Likely benign. Last evaluated: 2026-08-01. Review status: criteria provided, single submitter. Criteria: CeGaT Center For Human Genetics Tuebingen Variant Classification Criteria Version 2. Collection method: clinical testing. Allele origin: germline. Affected: yes. Observed: 1 variant allele.
Comment: FRMPD4: BP4, BS2

Labcorp Genetics (formerly Invitae), Labcorp
Classification: Benign. Last evaluated: 2018-06-21. Review status: criteria provided, single submitter. Criteria: Invitae Variant Classification Sherloc (09022015). Collection method: clinical testing. Allele origin: germline.

Eurofins Ntd Llc (ga)
Classification: Uncertain significance. Last evaluated: 2014-11-30. Review status: criteria provided, single submitter. Criteria: EGL Classification Definitions 2015. Collection method: clinical testing. Allele origin: germline. Observed: 1 variant allele, 1 hemizygote.